The following is an entry in ClinVar:

NM_005560.6(LAMA5):c.9004T>C (p.Tyr3002His)

Gene: LAMA5 (laminin subunit alpha 5; minus strand). Cytogenetic location: 20q13.33.
Variant type: single nucleotide variant.
Coding change: c.9004T>C on transcript NM_005560.6 (MANE Select); coding-DNA position 9004, T replaced by C.
Protein change: p.Tyr3002His; replaces tyrosine 3002 with histidine.
Molecular consequence: missense variant.
Genome position (GRCh38, 1-based): chr20:62,312,962, A>G on the plus strand (T>C on the coding strand, the complement: LAMA5 is on the minus strand). VCF-style: chr20-62312962-A-G. GRCh37 (hg19) VCF-style: chr20-60888018-A-G.
Other names: c.9004T>C (NM_005560.4); short protein forms Y3002H.
Identifiers: ClinVar variation 1577368 (VCV001577368.16), dbSNP rs148336880, ClinGen allele CA9940464.

ClinVar aggregate classification (germline): Likely benign. Review status: criteria provided, multiple submitters, no conflicts (2 of 4 stars). 3 submissions from 3 submitters: Likely benign (2). 1 of the submissions does not count toward it. Last evaluated 2025-10-01.

Conditions:
LAMA5-related disorder. Also called: LAMA5-Related Disorders; LAMA5-related condition.

Allele frequency attached by ClinVar (database versions not stated): gnomAD 0.00021 and 0.00027; TOPMed 0.00026; ESP Exome Variant Server 0.00031; 1000 Genomes Project 0.00040; 1000 Genomes Project 30x 0.00047; gnomAD exomes 0.00050 and 0.00058; ExAC 0.00055.
gnomAD v4.1: 764 of 1,583,568 alleles (0.048%); highest among the groups gnomAD compares: South Asian, 0.29%; 1 homozygote.

Submissions (3):

CeGaT Center for Human Genetics Tuebingen
Classification: Likely benign. Last evaluated: 2025-10-01. Review status: criteria provided, single submitter. Criteria: CeGaT Center For Human Genetics Tuebingen Variant Classification Criteria Version 2. Collection method: clinical testing. Allele origin: germline. Affected: yes. Observed: 1 variant allele.
Comment: LAMA5: BS2

Labcorp Genetics (formerly Invitae), Labcorp
Classification: Likely benign. Last evaluated: 2025-07-31. Review status: criteria provided, single submitter. Criteria: Invitae Variant Classification Sherloc (09022015). Collection method: clinical testing. Allele origin: germline.

PreventionGenetics, part of Exact Sciences
Classification: Likely benign for LAMA5-related condition. Last evaluated: 2023-07-20. Review status: no assertion criteria provided. Collection method: clinical testing. Allele origin: germline. Not counted in ClinVar's aggregate classification.
Comment: This variant is classified as likely benign based on ACMG/AMP sequence variant interpretation guidelines (Richards et al. 2015 PMID: 25741868, with internal and published modifications).